The following is an entry in ClinVar:

ClinVar aggregate classification (germline): Uncertain significance. Review status: criteria provided, multiple submitters, no conflicts (2 of 4 stars). 2 submissions from 2 submitters: Uncertain significance (2). Last evaluated 2024-12-28.

Conditions:
Inborn genetic diseases. Identifiers: MedGen C0950123, MeSH D030342.

Allele frequency attached by ClinVar (database versions not stated): gnomAD exomes below 0.00001; ExAC 0.00001; TOPMed 0.00003; gnomAD 0.00004.
gnomAD v4.1: 11 of 1,613,740 alleles (0.00068%); highest among the groups gnomAD compares: Admixed American, 0.015%; no homozygotes.

Submissions (2):

Ambry Genetics
Classification: Uncertain significance for Inborn genetic diseases. Last evaluated: 2024-12-28. Review status: criteria provided, single submitter. Criteria: Ambry Variant Classification Scheme 2023. Collection method: clinical testing. Allele origin: germline.

Labcorp Genetics (formerly Invitae), Labcorp
Classification: Uncertain significance. Last evaluated: 2022-06-22. Review status: criteria provided, single submitter. Criteria: Invitae Variant Classification Sherloc (09022015). Collection method: clinical testing. Allele origin: germline.
Comment: This variant has not been reported in the literature in individuals affected with NUBPL-related conditions. In summary, the available evidence is currently insufficient to determine the role of this variant in disease. Therefore, it has been classified as a Variant of Uncertain Significance. Algorithms developed to predict the effect of missense changes on protein structure and function are either unavailable or do not agree on the potential impact of this missense change (SIFT: "Tolerated"; PolyPhen-2: "Possibly Damaging"; Align-GVGD: "Class C0"). This variant is present in population databases (rs780774581, gnomAD 0.009%). This sequence change replaces phenylalanine, which is neutral and non-polar, with cysteine, which is neutral and slightly polar, at codon 292 of the NUBPL protein (p.Phe292Cys).

NM_025152.3(NUBPL):c.875T>G (p.Phe292Cys)

Gene: NUBPL (NUBP iron-sulfur cluster assembly factor, mitochondrial; plus strand). Cytogenetic location: 14q12.
Variant type: single nucleotide variant.
Coding change: c.875T>G on transcript NM_025152.3 (MANE Select); coding-DNA position 875, T replaced by G.
Protein change: p.Phe292Cys; replaces phenylalanine 292 with cysteine.
Molecular consequence: missense variant. On other transcripts: non-coding transcript variant (1).
Genome position (GRCh38, 1-based): chr14:31,850,179, T>G. VCF-style: chr14-31850179-T-G. GRCh37 (hg19) VCF-style: chr14-32319385-T-G.
Other names: c.875T>G (NM_025152.2); c.587T>G, p.Phe196Cys (NM_001201573.2); c.326T>G, p.Phe109Cys (NM_001201574.2); short protein forms F196C, F292C, F109C.
Identifiers: ClinVar variation 1899711 (VCV001899711.6), dbSNP rs780774581, ClinGen allele CA7148000.